The following is an entry in ClinVar:

NM_006030.4(CACNA2D2):c.1714C>T (p.Arg572Trp)

Gene: CACNA2D2 (calcium voltage-gated channel auxiliary subunit alpha2delta 2; minus strand). Cytogenetic location: 3p21.31.
Variant type: single nucleotide variant.
Coding change: c.1714C>T on transcript NM_006030.4 (MANE Select); coding-DNA position 1714, C replaced by T.
Protein change: p.Arg572Trp; replaces arginine 572 with tryptophan.
Molecular consequence: missense variant.
Genome position (GRCh38, 1-based): chr3:50,376,022, G>A on the plus strand (C>T on the coding strand, the complement: CACNA2D2 is on the minus strand). VCF-style: chr3-50376022-G-A. GRCh37 (hg19) VCF-style: chr3-50413453-G-A.
Other names: c.1714C>T, p.Arg572Trp (NM_001005505.3, NM_001174051.3); c.1507C>T, p.Arg503Trp (NM_001291101.1); c.1714C>T (NM_001174051.1); short protein forms R503W, R572W.
Identifiers: ClinVar variation 1043863 (VCV001043863.6), dbSNP rs756299401, ClinGen allele CA2418752.
Genomic context (GRCh38, chr3:50,376,022, plus strand): 5'-CCTCTTCCTTGTTCTCATCCTCTAGCTCCGCATCCAGGAAGTCCAGAGTCACAGGCTCCC[G>A]GAAGTTGGTGGTCTGTTGGAGGCAGGGTGGGAAGTCAGAAGTCCCCATTGTGGAAGGTTT-3'
Protein context (NP_006021.2, residues 562-582): PNLKPQTTNF[Arg572Trp]EPVTLDFLDA

ClinVar aggregate classification (germline): Uncertain significance. Review status: criteria provided, multiple submitters, no conflicts (2 of 4 stars). 2 submissions from 2 submitters: Uncertain significance (2). Last evaluated 2023-07-11.

Conditions:
Inborn genetic diseases. Identifiers: MedGen C0950123, MeSH D030342.
Developmental and epileptic encephalopathy. Identifiers: MedGen C5779964, MONDO:0100620.

Allele frequency attached by ClinVar (database versions not stated): ExAC 0.00001; gnomAD exomes 0.00002; TOPMed 0.00002.
gnomAD v4.1: 12 of 1,613,316 alleles (0.00074%); highest among the groups gnomAD compares: Admixed American, 0.0033%; no homozygotes.

Submissions (2):

Ambry Genetics
Classification: Uncertain significance for Inborn genetic diseases. Last evaluated: 2023-07-11. Review status: criteria provided, single submitter. Criteria: Ambry Variant Classification Scheme 2023. Collection method: clinical testing. Allele origin: germline.

Labcorp Genetics (formerly Invitae), Labcorp
Classification: Uncertain significance for Early-infantile DEE. Last evaluated: 2022-04-16. Review status: criteria provided, single submitter. Criteria: Invitae Variant Classification Sherloc (09022015). Collection method: clinical testing. Allele origin: germline.
Comment: This sequence change replaces arginine, which is basic and polar, with tryptophan, which is neutral and slightly polar, at codon 572 of the CACNA2D2 protein (p.Arg572Trp). This variant is present in population databases (rs756299401, gnomAD 0.006%). This variant has not been reported in the literature in individuals affected with CACNA2D2-related conditions. ClinVar contains an entry for this variant (Variation ID: 1043863). Algorithms developed to predict the effect of missense changes on protein structure and function are either unavailable or do not agree on the potential impact of this missense change (SIFT: "Deleterious"; PolyPhen-2: "Possibly Damaging"; Align-GVGD: "Class C0"). In summary, the available evidence is currently insufficient to determine the role of this variant in disease. Therefore, it has been classified as a Variant of Uncertain Significance.